The following is an entry in ClinVar:

ClinVar aggregate classification (germline): Uncertain significance (1 of 4 stars; one submission).

Submission:

Labcorp Genetics (formerly Invitae), Labcorp
Classification: Uncertain significance. Last evaluated: 2024-06-03. Review status: criteria provided, single submitter. Criteria: Invitae Variant Classification Sherloc (09022015). Collection method: clinical testing. Allele origin: germline.
Comment: This sequence change replaces threonine, which is neutral and polar, with lysine, which is basic and polar, at codon 335 of the SARS2 protein (p.Thr335Lys). This variant is not present in population databases (gnomAD no frequency). This variant has not been reported in the literature in individuals affected with SARS2-related conditions. ClinVar contains an entry for this variant (Variation ID: 2004693). An algorithm developed to predict the effect of missense changes on protein structure and function (PolyPhen-2) suggests that this variant is likely to be disruptive. In summary, the available evidence is currently insufficient to determine the role of this variant in disease. Therefore, it has been classified as a Variant of Uncertain Significance.

NM_017827.4(SARS2):c.1004C>A (p.Thr335Lys)

Gene: SARS2 (seryl-tRNA synthetase 2, mitochondrial; minus strand). Cytogenetic location: 19q13.2.
Variant type: single nucleotide variant.
Coding change: c.1004C>A on transcript NM_017827.4 (MANE Select); coding-DNA position 1004, C replaced by A.
Protein change: p.Thr335Lys; replaces threonine 335 with lysine.
Molecular consequence: missense variant.
Genome position (GRCh38, 1-based): chr19:38,917,967, G>T on the plus strand (C>A on the coding strand, the complement: SARS2 is on the minus strand). VCF-style: chr19-38917967-G-T. GRCh37 (hg19) VCF-style: chr19-39408607-G-T.
Other names: c.1010C>A, p.Thr337Lys (NM_001145901.2); short protein forms T337K, T335K.
Identifiers: ClinVar variation 2004693 (VCV002004693.4), dbSNP rs199736022, ClinGen allele CA405736381.